The following is an entry in ClinVar:

ClinVar aggregate classification (germline): Uncertain significance. Review status: criteria provided, multiple submitters, no conflicts (2 of 4 stars). 2 submissions from 2 submitters: Uncertain significance (2). Last evaluated 2025-10-02.

Conditions:
Inborn genetic diseases. Identifiers: MedGen C0950123, MeSH D030342.

Submissions (2):

Labcorp Genetics (formerly Invitae), Labcorp
Classification: Uncertain significance. Last evaluated: 2025-10-02. Review status: criteria provided, single submitter. Criteria: Invitae Variant Classification Sherloc (09022015). Collection method: clinical testing. Allele origin: germline.
Comment: This sequence change replaces proline, which is neutral and non-polar, with serine, which is neutral and polar, at codon 729 of the SAMD9L protein (p.Pro729Ser). This variant is not present in population databases (gnomAD no frequency). This variant has not been reported in the literature in individuals affected with SAMD9L-related conditions. ClinVar contains an entry for this variant (Variation ID: 3695313). Invitae Evidence Modeling of protein sequence and biophysical properties (such as structural, functional, and spatial information, amino acid conservation, physicochemical variation, residue mobility, and thermodynamic stability) indicates that this missense variant is not expected to disrupt SAMD9L protein function with a negative predictive value of 80%. In summary, the available evidence is currently insufficient to determine the role of this variant in disease. Therefore, it has been classified as a Variant of Uncertain Significance.

Ambry Genetics
Classification: Uncertain significance for Inborn genetic diseases. Last evaluated: 2025-04-11. Review status: criteria provided, single submitter. Criteria: Ambry Variant Classification Scheme 2023. Collection method: clinical testing. Allele origin: germline.
Comment: The p.P729S variant (also known as c.2185C>T), located in coding exon 1 of the SAMD9L gene, results from a C to T substitution at nucleotide position 2185. The proline at codon 729 is replaced by serine, an amino acid with similar properties. This amino acid position is conserved. In addition, this alteration is predicted to be tolerated by in silico analysis. Based on the available evidence, the clinical significance of this variant remains unclear.

NM_152703.5(SAMD9L):c.2185C>T (p.Pro729Ser)

Gene: SAMD9L (sterile alpha motif domain containing 9 like; minus strand). Cytogenetic location: 7q21.2.
Variant type: single nucleotide variant.
Coding change: c.2185C>T on transcript NM_152703.5 (MANE Select); coding-DNA position 2185, C replaced by T.
Protein change: p.Pro729Ser; replaces proline 729 with serine.
Molecular consequence: missense variant.
Genome position (GRCh38, 1-based): chr7:93,133,787, G>A on the plus strand (C>T on the coding strand, the complement: SAMD9L is on the minus strand). VCF-style: chr7-93133787-G-A. GRCh37 (hg19) VCF-style: chr7-92763100-G-A.
Other names: c.2185C>T (NM_152703.2); c.2185C>T, p.Pro729Ser (NM_001303496.3, NM_001303497.3, NM_001303498.3 and 5 more transcripts); short protein forms P729S.
Identifiers: ClinVar variation 3695313 (VCV003695313.3).